The following is an entry in ClinVar:

NM_001378454.1(ALMS1):c.3578C>T (p.Ser1193Leu)

Gene: ALMS1 (ALMS1 centrosome and basal body associated protein; plus strand). Cytogenetic location: 2p13.1.
Variant type: single nucleotide variant.
Coding change: c.3578C>T on transcript NM_001378454.1 (MANE Select); coding-DNA position 3578, C replaced by T.
Protein change: p.Ser1193Leu; replaces serine 1193 with leucine.
Molecular consequence: missense variant.
Genome position (GRCh38, 1-based): chr2:73,450,105, C>T. VCF-style: chr2-73450105-C-T. GRCh37 (hg19) VCF-style: chr2-73677232-C-T.
Other names: c.3581C>T, p.Ser1194Leu (NM_015120.4); short protein forms S1194L, S1193L.
Identifiers: ClinVar variation 550733 (VCV000550733.13), dbSNP rs200636395, ClinGen allele CA1713550.

ClinVar aggregate classification (germline): Conflicting classifications of pathogenicity. Review status: criteria provided, conflicting classifications (1 of 4 stars). 5 submissions from 5 submitters: Uncertain significance (2); Likely benign (1). 2 of the submissions do not count toward it. Last evaluated 2025-11-17.

Conditions:
Cardiovascular phenotype. Identifiers: MedGen CN230736.
Alstrom syndrome (ALMS). Identifiers: Orphanet 64, MedGen C0268425, MONDO:0008763, OMIM 203800.

Allele frequency attached by ClinVar (database versions not stated): ExAC 0.00002; gnomAD exomes 0.00003 and 0.00008; TOPMed 0.00003; gnomAD 0.00006 and 0.00007; ESP Exome Variant Server 0.00008.
gnomAD v4.1: 125 of 1,614,030 alleles (0.0077%); highest among the groups gnomAD compares: Non-Finnish European, 0.01%; no homozygotes.

Submissions (5):

Ambry Genetics
Classification: Likely benign for Cardiovascular phenotype. Last evaluated: 2025-11-17. Review status: criteria provided, single submitter. Criteria: Ambry Variant Classification Scheme 2023. Collection method: clinical testing. Allele origin: germline.

Labcorp Genetics (formerly Invitae), Labcorp
Classification: Uncertain significance for Alstrom syndrome. Last evaluated: 2024-10-01. Review status: criteria provided, single submitter. Criteria: Invitae Variant Classification Sherloc (09022015). Collection method: clinical testing. Allele origin: germline.
Comment: This sequence change replaces serine, which is neutral and polar, with leucine, which is neutral and non-polar, at codon 1194 of the ALMS1 protein (p.Ser1194Leu). This variant is present in population databases (rs200636395, gnomAD 0.006%). This variant has not been reported in the literature in individuals affected with ALMS1-related conditions. ClinVar contains an entry for this variant (Variation ID: 550733). An algorithm developed to predict the effect of missense changes on protein structure and function outputs the following: PolyPhen-2: "Not Available". The leucine amino acid residue is found in multiple mammalian species, which suggests that this missense change does not adversely affect protein function. In summary, the available evidence is currently insufficient to determine the role of this variant in disease. Therefore, it has been classified as a Variant of Uncertain Significance.

GeneDx
Classification: Uncertain significance. Last evaluated: 2023-02-03. Review status: criteria provided, single submitter. Criteria: GeneDx Variant Classification Process June 2021. Collection method: clinical testing. Allele origin: germline. Affected: yes.
Comment: Not observed at significant frequency in large population cohorts (gnomAD); In silico analysis supports that this missense variant does not alter protein structure/function; Has not been previously published as pathogenic or benign to our knowledge

Natera, Inc.
Classification: Uncertain significance for Alstrom syndrome. Last evaluated: 2021-10-13. Review status: no assertion criteria provided. Collection method: clinical testing. Allele origin: germline. Not counted in ClinVar's aggregate classification.

Counsyl
Classification: Uncertain significance for Alstrom syndrome. Last evaluated: 2017-02-10. Review status: no assertion criteria provided. Collection method: clinical testing. Allele origin: unknown. Not counted in ClinVar's aggregate classification.